The following is an entry in ClinVar:

ClinVar aggregate classification (germline): Pathogenic (1 of 4 stars; one submission).

gnomAD v4.1: 3 of 1,611,668 alleles (0.00019%); highest among the groups gnomAD compares: Non-Finnish European, 0.00017%; no homozygotes.

Submission:

GeneDx
Classification: Pathogenic. Last evaluated: 2026-02-05. Review status: criteria provided, single submitter. Criteria: GeneDx Variant Classification Process June 2021. Collection method: clinical testing. Allele origin: germline.
Comment: Nonsense variant predicted to result in protein truncation or nonsense mediated decay in a gene for which loss of function is a known mechanism of disease; Not observed at significant frequency in large population cohorts (gnomAD); Identified in an individual with autism who underwent whole exome sequencing; detailed clinical information and segregation details were not provided (PMID: 38958063); This variant is associated with the following publications: (PMID: 38958063)

NM_005898.5(CAPRIN1):c.241C>T (p.Arg81Ter)

Gene: CAPRIN1 (cell cycle associated protein 1; plus strand). Cytogenetic location: 11p13.
Variant type: single nucleotide variant.
Coding change: c.241C>T on transcript NM_005898.5 (MANE Select); coding-DNA position 241, C replaced by T.
Protein change: p.Arg81Ter; replaces arginine 81 with a stop codon.
Molecular consequence: nonsense.
Genome position (GRCh38, 1-based): chr11:34,071,750, C>T. VCF-style: chr11-34071750-C-T. GRCh37 (hg19) VCF-style: chr11-34093297-C-T.
Other names: c.241C>T, p.Arg81Ter (NM_203364.3); short protein forms R81*.
Identifiers: ClinVar variation 3342687 (VCV003342687.2).